The following is an entry in ClinVar:

ClinVar aggregate classification (germline): Likely benign. Review status: criteria provided, multiple submitters, no conflicts (2 of 4 stars). 2 submissions from 2 submitters: Likely benign (2). Last evaluated 2025-11-24.

Conditions:
Ehlers-Danlos syndrome, type 4 (EDSVASC). Also called: Ehlers-Danlos Syndrome Type IV; Ehlers-Danlos syndrome vascular type; Ehlers Danlos syndrome, ecchymotic type; Ehlers Danlos syndrome, arterial type; Ehlers Danlos syndrome, Sack-Barabas type. Identifiers: Orphanet 286, MedGen C0268338, MONDO:0017314, OMIM 130050.

Allele frequency attached by ClinVar (database versions not stated): gnomAD exomes below 0.00001; TOPMed below 0.00001.
gnomAD v4.1: 3 of 1,569,378 alleles (0.00019%); highest among the groups gnomAD compares: Non-Finnish European, 0.00026%; no homozygotes.

Submissions (2):

Labcorp Genetics (formerly Invitae), Labcorp
Classification: Likely benign for Ehlers-Danlos syndrome, type 4. Last evaluated: 2025-11-24. Review status: criteria provided, single submitter. Criteria: Invitae Variant Classification Sherloc (09022015). Collection method: clinical testing. Allele origin: germline.

All of Us Research Program, National Institutes of Health
Classification: Likely benign for Ehlers-Danlos syndrome, type 4. Last evaluated: 2023-04-10. Review status: criteria provided, single submitter. Criteria: ACMG Guidelines, 2015. Collection method: clinical testing. Allele origin: germline. Inheritance: Autosomal dominant inheritance. Observed: 1 variant allele, 1 heterozygote.
Comment: This study involves interpretation of variants in research participants for the purpose of population health screening. Participant phenotype was not available at the time of variant classification. Additional details can be found in publication PMID: 35346344, PMCID: PMC8962531

NM_000090.4(COL3A1):c.1092C>T (p.Ala364=)

Gene: COL3A1 (collagen type III alpha 1 chain; plus strand). Cytogenetic location: 2q32.2.
Variant type: single nucleotide variant.
Coding change: c.1092C>T on transcript NM_000090.4 (MANE Select); coding-DNA position 1092, C replaced by T.
Protein change: p.Ala364=; no amino-acid change (alanine 364 retained).
Molecular consequence: synonymous variant.
Genome position (GRCh38, 1-based): chr2:188,993,402, C>T. VCF-style: chr2-188993402-C-T. GRCh37 (hg19) VCF-style: chr2-189858128-C-T.
Identifiers: ClinVar variation 3070486 (VCV003070486.2), dbSNP rs1688229614, ClinGen allele CA430309353.